The following is an entry in ClinVar:

ClinVar aggregate classification (germline): Uncertain significance (1 of 4 stars; one submission).

Allele frequency attached by ClinVar (database versions not stated): gnomAD exomes 0.00001 and 0.00002; ExAC 0.00002; TOPMed 0.00005; gnomAD 0.00006.
gnomAD v4.1: 30 of 1,613,332 alleles (0.0019%); highest among the groups gnomAD compares: African/African-American, 0.015%; no homozygotes.

Submission:

Labcorp Genetics (formerly Invitae), Labcorp
Classification: Uncertain significance. Last evaluated: 2018-04-24. Review status: criteria provided, single submitter. Criteria: Invitae Variant Classification Sherloc (09022015). Collection method: clinical testing. Allele origin: germline.
Comment: In summary, the available evidence is currently insufficient to determine the role of this variant in disease. Therefore, it has been classified as a Variant of Uncertain Significance. The current clinical and genetic evidence is not sufficient to establish whether loss-of-function variants in OSMR cause disease. This variant has not been reported in the literature in individuals with OSMR-related disease. This variant is present in population databases (rs776611702, ExAC 0.02%). This sequence change creates a premature translational stop signal (p.Arg674*) in the OSMR gene. It is expected to result in an absent or disrupted protein product.

NM_003999.3(OSMR):c.2020C>T (p.Arg674Ter)

Gene: OSMR (oncostatin M receptor; plus strand). Cytogenetic location: 5p13.1.
Variant type: single nucleotide variant.
Coding change: c.2020C>T on transcript NM_003999.3 (MANE Select); coding-DNA position 2020, C replaced by T.
Protein change: p.Arg674Ter; replaces arginine 674 with a stop codon.
Molecular consequence: nonsense.
Genome position (GRCh38, 1-based): chr5:38,924,571, C>T. VCF-style: chr5-38924571-C-T. GRCh37 (hg19) VCF-style: chr5-38924673-C-T.
Other names: c.2020C>T, p.Arg674Ter (NM_001323505.2); c.2023C>T, p.Arg675Ter (NM_001323506.2); short protein forms R674*, R675*.
Identifiers: ClinVar variation 1036905 (VCV001036905.6), dbSNP rs776611702, ClinGen allele CA3244232.